The following is an entry in ClinVar:

ClinVar aggregate classification (germline): Likely benign (1 of 4 stars; one submission).

Allele frequency attached by ClinVar (database versions not stated): gnomAD exomes 0.00009; ExAC 0.00024; 1000 Genomes Project 30x 0.00047; 1000 Genomes Project 0.00060; TOPMed 0.00090; gnomAD 0.00093; ESP Exome Variant Server 0.00108.
gnomAD v4.1: 283 of 1,612,990 alleles (0.018%); highest among the groups gnomAD compares: African/African-American, 0.32%; 1 homozygote.

Submission:

CeGaT Center for Human Genetics Tuebingen
Classification: Likely benign. Last evaluated: 2022-11-01. Review status: criteria provided, single submitter. Criteria: CeGaT Center For Human Genetics Tuebingen Variant Classification Criteria Version 2. Collection method: clinical testing. Allele origin: germline. Affected: yes. Observed: 1 variant allele.
Comment: ARHGEF28: BP4, BP7

NM_001177693.2(ARHGEF28):c.2061T>C (p.Asn687=)

Gene: ARHGEF28 (Rho guanine nucleotide exchange factor 28; plus strand). Cytogenetic location: 5q13.2.
Variant type: single nucleotide variant.
Coding change: c.2061T>C on transcript NM_001177693.2 (MANE Select); coding-DNA position 2061, T replaced by C.
Protein change: p.Asn687=; no amino-acid change (asparagine 687 retained).
Molecular consequence: synonymous variant.
Genome position (GRCh38, 1-based): chr5:73,864,830, T>C. VCF-style: chr5-73864830-T-C. GRCh37 (hg19) VCF-style: chr5-73160655-T-C.
Other names: c.2061T>C, p.Asn687= (NM_001080479.3, NM_001388078.1); c.1122T>C, p.Asn374= (NM_001244364.2); c.1767T>C, p.Asn589= (NM_001388076.1).
Identifiers: ClinVar variation 2655525 (VCV002655525.24), dbSNP rs180776043, ClinGen allele CA3304746.
Genomic context (GRCh38, chr5:73,864,830, plus strand): 5'-CTAATTAAGTAAGATGGATGCTTTTGTATCTTTTCCCTTTATTTCAGACTGTAATGCAAA[T>C]GTGCACAAAGGTTGTAAAGATGCTGCGCCTGCATGCACCAAGGTAATTGCTCAGTGATCT-3'
Protein context (NP_001171164.1, residues 677-697): ESLQCSNCNA[Asn687=]VHKGCKDAAP